The following is an entry in ClinVar:

ClinVar aggregate classification (germline): Likely pathogenic (1 of 4 stars; one submission).

Conditions:
Neurodevelopmental disorder with dysmorphic facies and distal limb anomalies. Identifiers: Orphanet 686482, MedGen C4540327, MONDO:0060596, OMIM 617755.

Submission:

3billion
Classification: Likely pathogenic for Neurodevelopmental disorder with dysmorphic facies and distal limb anomalies. Last evaluated: 2025-12-05. Review status: criteria provided, single submitter. Criteria: ACMG Guidelines, 2015. Collection method: clinical testing. Allele origin: germline. Affected: yes.
Comment: The variant is not observed in the gnomAD v4.1.0 dataset. Predicted Consequence/Location: Stop-gained (nonsense): predicted to result in a loss or disruption of normal protein function through nonsense-mediated decay (NMD) or protein truncation. Multiple pathogenic variants are reported downstream of the variant. Therefore, this variant is classified as Likely pathogenic according to the recommendation of ACMG/AMP guideline.

NM_182641.4(BPTF):c.4831C>T (p.Gln1611Ter)

Gene: BPTF (bromodomain PHD finger transcription factor; plus strand). Cytogenetic location: 17q24.2.
Variant type: single nucleotide variant.
Coding change: c.4831C>T on transcript NM_182641.4 (MANE Select); coding-DNA position 4831, C replaced by T.
Protein change: p.Gln1611Ter; replaces glutamine 1611 with a stop codon.
Molecular consequence: nonsense.
Genome position (GRCh38, 1-based): chr17:67,912,715, C>T. VCF-style: chr17-67912715-C-T. GRCh37 (hg19) VCF-style: chr17-65908831-C-T.
Other names: c.5020C>T, p.Gln1674Ter (NM_001439139.1, NM_001439141.1, NM_001439143.1 and 1 more transcripts); c.5209C>T, p.Gln1737Ter (NM_001439140.1, NM_001439142.1, NM_004459.7); short protein forms Q1611*, Q1674*, Q1737*.
Identifiers: ClinVar variation 4855110 (VCV004855110.1).